The following is an entry in ClinVar:

ClinVar aggregate classification (germline): Uncertain significance (1 of 4 stars; one submission).

Submission:

Ambry Genetics
Classification: Uncertain significance. Last evaluated: 2024-09-30. Review status: criteria provided, single submitter. Criteria: Ambry Variant Classification Scheme 2023. Collection method: clinical testing. Allele origin: germline.
Comment: The p.K1053N variant (also known as c.3159G>C), located in coding exon 25 of the BUB1 gene, results from a G to C substitution at nucleotide position 3159. The lysine at codon 1053 is replaced by asparagine, an amino acid with similar properties. This amino acid position is conserved. In addition, this alteration is predicted to be tolerated by in silico analysis. Based on the available evidence, the clinical significance of this variant remains unclear.

NM_004336.5(BUB1):c.3159G>C (p.Lys1053Asn)

Gene: BUB1 (BUB1 mitotic checkpoint serine/threonine kinase; minus strand). Cytogenetic location: 2q13.
Variant type: single nucleotide variant.
Coding change: c.3159G>C on transcript NM_004336.5 (MANE Select); coding-DNA position 3159, G replaced by C.
Protein change: p.Lys1053Asn; replaces lysine 1053 with asparagine.
Molecular consequence: missense variant.
Genome position (GRCh38, 1-based): chr2:110,638,063, C>G on the plus strand (G>C on the coding strand, the complement: BUB1 is on the minus strand). VCF-style: chr2-110638063-C-G. GRCh37 (hg19) VCF-style: chr2-111395640-C-G.
Other names: c.3099G>C, p.Lys1033Asn (NM_001278616.2); c.2988G>C, p.Lys996Asn (NM_001278617.2); short protein forms K1033N, K996N, K1053N.
Identifiers: ClinVar variation 3483066 (VCV003483066.1).